The following is an entry in ClinVar:

NM_024675.4(PALB2):c.1795del (p.Ser599fs)

Gene: PALB2 (partner and localizer of BRCA2; minus strand). Cytogenetic location: 16p12.2.
Variant type: Deletion.
Coding change: c.1795del on transcript NM_024675.4 (MANE Select); coding-DNA position 1795, one base deleted (A; older notation c.1795delA).
Protein change: p.Ser599fs; shifts the reading frame from serine 599.
Molecular consequence: frameshift variant.
Genome position (GRCh38, 1-based): chr16:23,630,359, T deleted on the plus strand (A on the coding strand, the reverse complement: PALB2 is on the minus strand). VCF-style (leftmost placement, unchanged base first): chr16-23630358-CT-C. GRCh37 (hg19) VCF-style: chr16-23641679-CT-C.
Other names: c.1795delA (NM_024675.3); short protein forms S599fs.
Identifiers: ClinVar variation 482067 (VCV000482067.7), dbSNP rs1555460648, ClinGen allele CA658658416.
Genomic context (GRCh38, chr16:23,630,358, plus strand): 5'-AAGTCTTCATCAGGTAACTGAAAGTCTGTGATACTGAGAAAAGACAGTAGTTGCTTTAAA[CT>C]CAGCATTCCATCCCTATGAAATGGAGCCGTGAAAGCATCATCATCCAAGGATAAATAAGC-3'

ClinVar aggregate classification (germline): Pathogenic. Review status: criteria provided, multiple submitters, no conflicts (2 of 4 stars). 2 submissions from 2 submitters: Pathogenic (2). Last evaluated 2024-08-08.

Conditions:
Hereditary cancer-predisposing syndrome. Also called: Neoplastic Syndromes, Hereditary; Tumor predisposition; Hereditary Cancer Syndrome; Hereditary neoplastic syndrome. Identifiers: Orphanet 140162, MedGen C0027672, MeSH D009386, MONDO:0015356.
Familial cancer of breast. Also called: BREAST CANCER, FAMILIAL; Hereditary breast cancer; hereditary breast carcinoma. Identifiers: Orphanet 227535, MedGen C0346153, MONDO:0016419, OMIM 114480. Disease mechanism: loss of function.

Submissions (2):

Labcorp Genetics (formerly Invitae), Labcorp
Classification: Pathogenic for Familial cancer of breast. Last evaluated: 2024-08-08. Review status: criteria provided, single submitter. Criteria: Invitae Variant Classification Sherloc (09022015). Collection method: clinical testing. Allele origin: germline.
Comment: This sequence change creates a premature translational stop signal (p.Ser599Valfs*2) in the PALB2 gene. It is expected to result in an absent or disrupted protein product. Loss-of-function variants in PALB2 are known to be pathogenic (PMID: 17200668, 17200671, 17200672, 24136930, 25099575). This variant is not present in population databases (gnomAD no frequency). This variant has not been reported in the literature in individuals affected with PALB2-related conditions. ClinVar contains an entry for this variant (Variation ID: 482067). For these reasons, this variant has been classified as Pathogenic.

Ambry Genetics
Classification: Pathogenic for Hereditary cancer-predisposing syndrome. Last evaluated: 2017-08-08. Review status: criteria provided, single submitter. Criteria: Ambry Variant Classification Scheme 2023. Collection method: clinical testing. Allele origin: germline.
Comment: The c.1795delA pathogenic mutation, located in coding exon 5 of the PALB2 gene, results from a deletion of one nucleotide at nucleotide position 1795, causing a translational frameshift with a predicted alternate stop codon (p.S599Vfs*2). This alteration is expected to result in loss of function by premature protein truncation or nonsense-mediated mRNA decay. As such, this alteration is interpreted as a disease-causing mutation.

Literature cited by the submitters: PubMed 17200668 (cited by Labcorp Genetics (formerly Invitae), Labcorp); PubMed 17200671 (cited by Labcorp Genetics (formerly Invitae), Labcorp); PubMed 17200672 (cited by Labcorp Genetics (formerly Invitae), Labcorp); PubMed 24136930 (cited by Labcorp Genetics (formerly Invitae), Labcorp); PubMed 25099575 (cited by Labcorp Genetics (formerly Invitae), Labcorp).